The following is an entry in ClinVar:

NM_014806.5(RUSC2):c.463G>A (p.Val155Met)

Gene: RUSC2 (RUN and SH3 domain containing 2; plus strand). Cytogenetic location: 9p13.3.
Variant type: single nucleotide variant.
Coding change: c.463G>A on transcript NM_014806.5 (MANE Select); coding-DNA position 463, G replaced by A.
Protein change: p.Val155Met; replaces valine 155 with methionine.
Molecular consequence: missense variant. On other transcripts: non-coding transcript variant (1), intron variant (1).
Genome position (GRCh38, 1-based): chr9:35,546,984, G>A. VCF-style: chr9-35546984-G-A. GRCh37 (hg19) VCF-style: chr9-35546981-G-A.
Other names: c.463G>A, p.Val155Met (NM_001135999.2); c.-620-8076G>A (NM_001330740.2); short protein forms V155M.
Identifiers: ClinVar variation 1363627 (VCV001363627.8), dbSNP rs1821761014, ClinGen allele CA373327239.

ClinVar aggregate classification (germline): Uncertain significance (1 of 4 stars; one submission).

Allele frequency attached by ClinVar (database versions not stated): TOPMed below 0.00001.

Submission:

Labcorp Genetics (formerly Invitae), Labcorp
Classification: Uncertain significance. Last evaluated: 2021-01-08. Review status: criteria provided, single submitter. Criteria: Invitae Variant Classification Sherloc (09022015). Collection method: clinical testing. Allele origin: germline.
Comment: In summary, the available evidence is currently insufficient to determine the role of this variant in disease. Therefore, it has been classified as a Variant of Uncertain Significance. Algorithms developed to predict the effect of missense changes on protein structure and function (SIFT, PolyPhen-2, Align-GVGD) all suggest that this variant is likely to be tolerated, but these predictions have not been confirmed by published functional studies and their clinical significance is uncertain. This variant has not been reported in the literature in individuals with RUSC2-related conditions. This variant is not present in population databases (ExAC no frequency). This sequence change replaces valine with methionine at codon 155 of the RUSC2 protein (p.Val155Met). The valine residue is weakly conserved and there is a small physicochemical difference between valine and methionine.